The following is an entry in ClinVar:

NM_001007228.2(SPOP):c.577C>G (p.Leu193Val)

Gene: SPOP (speckle type BTB/POZ protein; minus strand). Cytogenetic location: 17q21.33.
Variant type: single nucleotide variant.
Coding change: c.577C>G on transcript NM_001007228.2 (MANE Select); coding-DNA position 577, C replaced by G.
Protein change: p.Leu193Val; replaces leucine 193 with valine.
Molecular consequence: missense variant.
Genome position (GRCh38, 1-based): chr17:49,611,361, G>C on the plus strand (C>G on the coding strand, the complement: SPOP is on the minus strand). VCF-style: chr17-49611361-G-C. GRCh37 (hg19) VCF-style: chr17-47688723-G-C.
Other names: c.577C>G, p.Leu193Val (NM_001007226.1, NM_001007227.1, NM_001007229.1 and 5 more transcripts); short protein forms L193V.
Identifiers: ClinVar variation 3250968 (VCV003250968.18), dbSNP rs568477610.

ClinVar aggregate classification (germline): Uncertain significance (1 of 4 stars; one submission).

Submission:

CeGaT Center for Human Genetics Tuebingen
Classification: Uncertain significance. Last evaluated: 2024-06-01. Review status: criteria provided, single submitter. Criteria: CeGaT Center For Human Genetics Tuebingen Variant Classification Criteria Version 2. Collection method: clinical testing. Allele origin: germline. Affected: yes. Observed: 1 variant allele.
Comment: SPOP: PM2, PP2, PP3